The following is an entry in ClinVar:

ClinVar aggregate classification (germline): Conflicting classifications of pathogenicity. Review status: criteria provided, conflicting classifications (1 of 4 stars). 3 submissions from 3 submitters: Uncertain significance (1); Likely benign (2). Last evaluated 2026-01-02.

Conditions:
Autoinflammatory syndrome, familial, Behcet-like 1 (AIFBL1). Also called: Haploinsufficiency of A20. Identifiers: Orphanet 674762, MedGen C4225218, MONDO:0800045, OMIM 616744.

Allele frequency attached by ClinVar (database versions not stated): ESP Exome Variant Server 0.00015; TOPMed 0.00019.
gnomAD v4.1: 219 of 1,614,072 alleles (0.014%); highest among the groups gnomAD compares: Admixed American, 0.063%; no homozygotes.

Submissions (3):

Labcorp Genetics (formerly Invitae), Labcorp
Classification: Likely benign. Last evaluated: 2026-01-02. Review status: criteria provided, single submitter. Criteria: Invitae Variant Classification Sherloc (09022015). Collection method: clinical testing. Allele origin: germline.

ARUP Laboratories, Molecular Genetics and Genomics, ARUP Laboratories
Classification: Uncertain significance for Autoinflammatory syndrome, familial, Behcet-like 1. Last evaluated: 2025-07-07. Review status: criteria provided, single submitter. Criteria: ARUP Molecular Germline Variant Investigation Process 2024. Collection method: clinical testing. Allele origin: germline.
Comment: The TNFAIP3 c.1809G>T; p.Gly603= variant (rs201052251), to our knowledge, is not reported in the medical literature but is reported in ClinVar (Variation ID: 994419). This variant is found in the general population with an overall allele frequency of 0.011% (30/282,610 alleles) in the Genome Aggregation Database (v2.1.1). This is a synonymous variant and computational analyses (Alamut v1.11) predict that this variant may impact splicing by creating a novel cryptic donor splice site. Loss-of-function TNFAIP3 variants are associated with Behcet-like autoinflammatory syndrome (Zhou 2016). However, due to limited information, the clinical significance of this variant is uncertain at this time. References: Zhou Q et al. Loss-of-function mutations in TNFAIP3 leading to A20 haploinsufficiency cause an early-onset autoinflammatory disease. Nat Genet. 2016;48(1):67-73. PMID: 26642243.

CeGaT Center for Human Genetics Tuebingen
Classification: Likely benign. Last evaluated: 2022-10-01. Review status: criteria provided, single submitter. Criteria: CeGaT Center For Human Genetics Tuebingen Variant Classification Criteria Version 2. Collection method: clinical testing. Allele origin: germline. Affected: yes. Observed: 1 variant allele.
Comment: TNFAIP3: BP4, BP7

NM_001270508.2(TNFAIP3):c.1809G>T (p.Gly603=)

Gene: TNFAIP3 (TNF alpha induced protein 3; plus strand). Cytogenetic location: 6q23.3.
Variant type: single nucleotide variant.
Coding change: c.1809G>T on transcript NM_001270508.2 (MANE Select); coding-DNA position 1809, G replaced by T.
Protein change: p.Gly603=; no amino-acid change (glycine 603 retained).
Molecular consequence: synonymous variant.
Genome position (GRCh38, 1-based): chr6:137,879,254, G>T. VCF-style: chr6-137879254-G-T. GRCh37 (hg19) VCF-style: chr6-138200391-G-T.
Other names: c.1809G>T, p.Gly603= (NM_001270507.2, NM_006290.4).
Identifiers: ClinVar variation 994419 (VCV000994419.40), dbSNP rs201052251, ClinGen allele CA4019714.
Genomic context (GRCh38, chr6:137,879,254, plus strand): 5'-AAACGACGCCCCTGCTGGCTGCCTGTCTCAAGCTGCACGGACTCCTGGGGACAGGACGGG[G>T]ACGAGCAAGTGCAGAAAAGCCGGCTGCGTGTATTTTGGGACTCCAGAAAACAAGGGCTTT-3'
Protein context (NP_001257437.1, residues 593-613): QAARTPGDRT[Gly603=]TSKCRKAGCV